The following is an entry in ClinVar:

NM_001013354.1(OR11H12):c.962G>A (p.Gly321Glu)

Gene: OR11H12 (olfactory receptor family 11 subfamily H member 12; plus strand). Cytogenetic location: 14q11.2.
Variant type: single nucleotide variant.
Coding change: c.962G>A on transcript NM_001013354.1 (MANE Select); coding-DNA position 962, G replaced by A.
Protein change: p.Gly321Glu; replaces glycine 321 with glutamic acid.
Molecular consequence: missense variant.
Genome position (GRCh38, 1-based): chr14:18,602,078, G>A. VCF-style: chr14-18602078-G-A. GRCh37 (hg19) VCF-style: chr14-19378555-G-A.
Other names: short protein forms G321E.
Identifiers: ClinVar variation 3204705 (VCV003204705.2), dbSNP rs369314954, ClinGen allele CA7071255.

ClinVar aggregate classification (germline): Uncertain significance (1 of 4 stars; one submission).

Allele frequency attached by ClinVar (database versions not stated): ESP Exome Variant Server 0.00035; gnomAD exomes 0.00010; ExAC 0.00027.

Submission:

Ambry Genetics
Classification: Uncertain significance. Last evaluated: 2026-09-10. Review status: criteria provided, single submitter. Criteria: Ambry Variant Classification Scheme 2023. Collection method: clinical testing. Allele origin: germline.
Comment: The c.962G>A (p.G321E) alteration is located in exon 1 (coding exon 1) of the OR11H12 gene. This alteration results from a G to A substitution at nucleotide position 962, causing the glycine (G) at amino acid position 321 to be replaced by a glutamic acid (E). Based on data from gnomAD, the A allele has an overall frequency of 0.018% (35/199194) total alleles studied. The highest observed frequency was 0.074% (16/21612) of Latino alleles. Based on insufficient or conflicting evidence, the clinical significance of this alteration remains unclear.